The following is an entry in ClinVar:

ClinVar aggregate classification (germline): Pathogenic (1 of 4 stars; one submission).

Conditions:
Developmental delay, impaired speech, and behavioral abnormalities. Identifiers: MedGen C5561957, MONDO:0859178, OMIM 619475.

Submission:

Juno Genomics, Hangzhou Juno Genomics, Inc
Classification: Pathogenic for Developmental delay, impaired speech, and behavioral abnormalities. Review status: criteria provided, single submitter. Criteria: ACMG Guidelines, 2015. Collection method: clinical testing. Allele origin: germline. Affected: yes.
Comment: Absent from controls (or at extremely low frequency if recessive) in Genome Aggregation Database.;De novo (both maternity and paternity confirmed) in a patient with the disease and no family history.;Null variant in a gene where loss of function (LOF) is a known mechanism of disease.

NM_003128.3(SPTBN1):c.2983C>T (p.Gln995Ter)

Gene: SPTBN1 (spectrin beta, non-erythrocytic 1; plus strand). Cytogenetic location: 2p16.2.
Variant type: single nucleotide variant.
Coding change: c.2983C>T on transcript NM_003128.3 (MANE Select); coding-DNA position 2983, C replaced by T.
Protein change: p.Gln995Ter; replaces glutamine 995 with a stop codon.
Molecular consequence: nonsense.
Genome position (GRCh38, 1-based): chr2:54,631,030, C>T. VCF-style: chr2-54631030-C-T. GRCh37 (hg19) VCF-style: chr2-54858167-C-T.
Other names: c.2944C>T, p.Gln982Ter (NM_178313.3); short protein forms Q982*, Q995*.
Identifiers: ClinVar variation 5018812 (VCV005018812.1).